The following is an entry in ClinVar:

ClinVar aggregate classification (germline): Uncertain significance. Review status: criteria provided, multiple submitters, no conflicts (2 of 4 stars). 2 submissions from 2 submitters: Uncertain significance (2). Last evaluated 2024-01-09.

Conditions:
Inborn genetic diseases. Identifiers: MedGen C0950123, MeSH D030342.

Allele frequency attached by ClinVar (database versions not stated): ExAC 0.00006; TOPMed 0.00010; gnomAD 0.00003.
gnomAD v4.1: 5 of 1,554,556 alleles (0.00032%); highest among the groups gnomAD compares: Admixed American, 0.0077%; no homozygotes.

Submissions (2):

Ambry Genetics
Classification: Uncertain significance for Inborn genetic diseases. Last evaluated: 2024-01-09. Review status: criteria provided, single submitter. Criteria: Ambry Variant Classification Scheme 2023. Collection method: clinical testing. Allele origin: germline.

Labcorp Genetics (formerly Invitae), Labcorp
Classification: Uncertain significance. Last evaluated: 2021-08-28. Review status: criteria provided, single submitter. Criteria: Invitae Variant Classification Sherloc (09022015). Collection method: clinical testing. Allele origin: germline.
Comment: This sequence change replaces histidine with arginine at codon 144 of the TCIRG1 protein (p.His144Arg). The histidine residue is weakly conserved and there is a small physicochemical difference between histidine and arginine. This variant is present in population databases (rs773690722, ExAC 0.02%). This variant has not been reported in the literature in individuals affected with TCIRG1-related conditions. Algorithms developed to predict the effect of missense changes on protein structure and function output the following: SIFT: "Tolerated"; PolyPhen-2: "Benign"; Align-GVGD: "Class C0". The arginine amino acid residue is found in multiple mammalian species, which suggests that this missense change does not adversely affect protein function. In summary, the available evidence is currently insufficient to determine the role of this variant in disease. Therefore, it has been classified as a Variant of Uncertain Significance.

NM_006019.4(TCIRG1):c.431A>G (p.His144Arg)

Gene: TCIRG1 (T cell immune regulator 1, ATPase H+ transporting V0 subunit a3; plus strand). Cytogenetic location: 11q13.2.
Variant type: single nucleotide variant.
Coding change: c.431A>G on transcript NM_006019.4 (MANE Select); coding-DNA position 431, A replaced by G.
Protein change: p.His144Arg; replaces histidine 144 with arginine.
Molecular consequence: missense variant. On other transcripts: 5 prime UTR variant (1).
Genome position (GRCh38, 1-based): chr11:68,042,959, A>G. VCF-style: chr11-68042959-A-G. GRCh37 (hg19) VCF-style: chr11-67810426-A-G.
Other names: c.-819A>G (NM_001351059.2); c.431A>G (NM_006019.3); short protein forms H144R.
Identifiers: ClinVar variation 1449712 (VCV001449712.6), dbSNP rs773690722, ClinGen allele CA6146717.